The following is an entry in ClinVar:

NM_001267550.2(TTN):c.36827A>G (p.Lys12276Arg)

Gene: TTN (titin; minus strand). Cytogenetic location: 2q31.2.
Variant type: single nucleotide variant.
Coding change: c.36827A>G on transcript NM_001267550.2 (MANE Select); coding-DNA position 36827, A replaced by G.
Protein change: p.Lys12276Arg; replaces lysine 12276 with arginine.
Molecular consequence: missense variant. On other transcripts: intron variant (5).
Genome position (GRCh38, 1-based): chr2:178,662,776, T>C on the plus strand (A>G on the coding strand, the complement: TTN is on the minus strand). VCF-style: chr2-178662776-T-C. GRCh37 (hg19) VCF-style: chr2-179527503-T-C.
Other names: c.13283-20459A>G (NM_003319.4); c.13859-20459A>G (NM_133437.4); c.13658-20459A>G (NM_133432.3); c.31573+190A>G (NM_133378.4); c.34354+190A>G (NM_001256850.1); short protein forms K12276R.
Identifiers: ClinVar variation 4984580 (VCV004984580.1).

ClinVar aggregate classification (germline): Uncertain significance (1 of 4 stars; one submission).

Conditions:
TTN-related disorder. Also called: TTN-related disorders; TTN-related condition; TTN-related disease.

Submission:

PreventionGenetics, part of Exact Sciences
Classification: Uncertain significance for TTN-related condition. Last evaluated: 2026-06-11. Review status: criteria provided, single submitter. Criteria: ACMG Guidelines, 2015. Collection method: clinical testing. Allele origin: germline.
Comment: The TTN c.36827A>G variant is predicted to result in the amino acid substitution p.Lys12276Arg. To our knowledge, this variant has not been reported in the literature. This variant is reported in 0.014% of alleles in individuals of African descent in gnomAD. At this time, the clinical significance of this variant is uncertain due to the absence of conclusive functional and genetic evidence.